The following is an entry in ClinVar:

ClinVar aggregate classification (germline): Conflicting classifications of pathogenicity. Review status: criteria provided, conflicting classifications (1 of 4 stars). 4 submissions from 4 submitters: Uncertain significance (1); Likely benign (3). Last evaluated 2026-08-01.

Conditions:
Factor XII deficiency disease. Also called: Congenital factor XII deficiency; Reduced factor XII activity; F12 DEFICIENCY; HAF DEFICIENCY. Identifiers: Orphanet 330, MedGen C0015526, MONDO:0009315, OMIM 234000, HP:0004841.
Hereditary angioedema type 3 (HAE3). Also called: ESTROGEN-RELATED HAE; ESTROGEN-SENSITIVE HAE; HAE WITH NORMAL C1 INHIBITOR CONCENTRATION AND FUNCTION; ANGIONEUROTIC EDEMA, HEREDITARY, WITH NORMAL C1 INHIBITOR CONCENTRATION AND FUNCTION. Identifiers: Orphanet 100054, MedGen C1857728, MONDO:0012526, OMIM 610618.

Allele frequency attached by ClinVar (database versions not stated): 1000 Genomes Project 30x 0.00078; 1000 Genomes Project 0.00080; TOPMed 0.00153; ESP Exome Variant Server 0.00175; gnomAD 0.00222 and 0.00223; gnomAD exomes 0.00267.

Submissions (4):

CeGaT Center for Human Genetics Tuebingen
Classification: Likely benign. Last evaluated: 2026-08-01. Review status: criteria provided, single submitter. Criteria: CeGaT Center For Human Genetics Tuebingen Variant Classification Criteria Version 2. Collection method: clinical testing. Allele origin: germline. Affected: yes. Observed: 6 variant alleles.
Comment: F12: BS2

Mayo Clinic Laboratories, Mayo Clinic
Classification: Uncertain significance. Last evaluated: 2025-05-23. Review status: criteria provided, single submitter. Criteria: ACMG Guidelines, 2015. Collection method: clinical testing. Allele origin: germline. Observed: 2 variant alleles.
Comment: PS3_supporting

Fulgent Genetics
Classification: Likely benign for Factor XII deficiency disease; Hereditary angioedema type 3. Last evaluated: 2022-05-19. Review status: criteria provided, single submitter. Criteria: ACMG Guidelines, 2015. Collection method: clinical testing. Allele origin: unknown.

Breakthrough Genomics
Classification: Likely benign. Review status: criteria provided, single submitter. Criteria: ACMG Guidelines, 2015. Collection method: not provided. Allele origin: germline. Inheritance: Autosomal recessive inheritance. Affected: yes.

Literature cited by the submitters: PubMed 18832903 (cited by Mayo Clinic Laboratories, Mayo Clinic); PubMed 19786295 (cited by Mayo Clinic Laboratories, Mayo Clinic); PubMed 36627437 (cited by Mayo Clinic Laboratories, Mayo Clinic).

NM_000505.4(F12):c.-62C>T

Gene: F12 (coagulation factor XII; minus strand). Cytogenetic location: 5q35.3.
Variant type: single nucleotide variant.
Coding change: c.-62C>T on transcript NM_000505.4 (MANE Select); 62 bases upstream of the start codon, C replaced by T.
Genome position (GRCh38, 1-based): chr5:177,409,589, G>A on the plus strand (C>T on the coding strand, the complement: F12 is on the minus strand). VCF-style: chr5-177409589-G-A. GRCh37 (hg19) VCF-style: chr5-176836590-G-A.
Other names: p.?; c.-62C>T (NM_000505.3).
Identifiers: ClinVar variation 369463 (VCV000369463.21), dbSNP rs187018744, ClinGen allele CA10654681.
Genomic context (GRCh38, chr5:177,409,589, plus strand): 5'-GCATCCGTCCGTTGGTCCAGCTGCCTATCCAGGAGTCCAGATCAATAGGACTGGCCAAAG[G>A]TCTTGGAAATAGAGATTGGTCAAGCTGCCCTCCTGAGCCTGGTGGGGCACAGGCTGTTTG-3'